The following is an entry in ClinVar:

ClinVar aggregate classification (germline): Uncertain significance (1 of 4 stars; one submission).

Conditions:
Sandhoff disease. Also called: GM2-GANGLIOSIDOSIS, TYPE II; HEXOSAMINIDASES A AND B DEFICIENCY; Beta-hexosaminidase-beta-subunit deficiency; GM2 gangliosidosis, type 2; Total hexosaminidase deficiency; Sandhoff-Jatzkewitz-Pilz disease. Identifiers: Orphanet 796, MedGen C0036161, MONDO:0010006, OMIM 268800.

Allele frequency attached by ClinVar (database versions not stated): ExAC 0.00001; gnomAD exomes 0.00002.
gnomAD v4.1: 26 of 1,607,446 alleles (0.0016%); highest among the groups gnomAD compares: Non-Finnish European, 0.0021%; no homozygotes.

Submission:

Labcorp Genetics (formerly Invitae), Labcorp
Classification: Uncertain significance for Sandhoff disease. Last evaluated: 2022-09-27. Review status: criteria provided, single submitter. Criteria: Invitae Variant Classification Sherloc (09022015). Collection method: clinical testing. Allele origin: germline.
Comment: This sequence change replaces histidine, which is basic and polar, with aspartic acid, which is acidic and polar, at codon 350 of the HEXB protein (p.His350Asp). This variant is present in population databases (rs751352339, gnomAD 0.0009%). This variant has not been reported in the literature in individuals affected with HEXB-related conditions. Advanced modeling of protein sequence and biophysical properties (such as structural, functional, and spatial information, amino acid conservation, physicochemical variation, residue mobility, and thermodynamic stability) performed at Invitae indicates that this missense variant is expected to disrupt HEXB protein function. In summary, the available evidence is currently insufficient to determine the role of this variant in disease. Therefore, it has been classified as a Variant of Uncertain Significance.

NM_000521.4(HEXB):c.1048C>G (p.His350Asp)

Gene: HEXB (hexosaminidase subunit beta; plus strand). Cytogenetic location: 5q13.3.
Variant type: single nucleotide variant.
Coding change: c.1048C>G on transcript NM_000521.4 (MANE Select); coding-DNA position 1048, C replaced by G.
Protein change: p.His350Asp; replaces histidine 350 with aspartic acid.
Molecular consequence: missense variant.
Genome position (GRCh38, 1-based): chr5:74,715,656, C>G. VCF-style: chr5-74715656-C-G. GRCh37 (hg19) VCF-style: chr5-74011481-C-G.
Other names: c.373C>G, p.His125Asp (NM_001292004.2); short protein forms H350D, H125D.
Identifiers: ClinVar variation 2184112 (VCV002184112.1), dbSNP rs751352339, ClinGen allele CA3306008.